The following is an entry in ClinVar:

NM_006231.4(POLE):c.1021-26_1045delinsGTTCTACACC

Gene: POLE (DNA polymerase epsilon, catalytic subunit; minus strand). Cytogenetic location: 12q24.33.
Variant type: Indel.
Coding change: c.1021-26_1045delinsGTTCTACACC on transcript NM_006231.4 (MANE Select); 26 bases into the intron before coding-DNA position 1021 through coding-DNA position 1045, the reference bases replaced by GTTCTACACC.
Molecular consequence: splice acceptor variant.
Genome position (GRCh38, 1-based): chr12:132,675,796-132,675,846, 51 bases replaced. GRCh37 (hg19): chr12:133,252,382-133,252,432.
Identifiers: ClinVar variation 420813 (VCV000420813.13), dbSNP rs1555229232, ClinGen allele CA16619478.

ClinVar aggregate classification (germline): Conflicting classifications of pathogenicity. Review status: criteria provided, conflicting classifications (1 of 4 stars). 3 submissions from 3 submitters: Likely pathogenic (1); Uncertain significance (2). Last evaluated 2025-05-27.

Conditions:
Hereditary cancer-predisposing syndrome. Also called: Hereditary neoplastic syndrome; Tumor predisposition; Neoplastic Syndromes, Hereditary; Hereditary Cancer Syndrome. Identifiers: Orphanet 140162, MedGen C0027672, MeSH D009386, MONDO:0015356.

Submissions (3):

Ambry Genetics
Classification: Uncertain significance for Hereditary cancer-predisposing syndrome. Last evaluated: 2025-05-27. Review status: criteria provided, single submitter. Criteria: Ambry Variant Classification Scheme 2023. Collection method: clinical testing. Allele origin: germline.
Comment: The c.1021-26_1045del51insGTTCTACACC variant spans the canonical acceptor site of coding exon 11 in the POLE gene. This variant results from a deletion of 51 nucleotides and insertion of GTTCTACACC nucleotides at positions c.1021-26 to c.1045. This variant is considered to be rare based on population cohorts in the Genome Aggregation Database (gnomAD). The canonical acceptor site is highly conserved in available vertebrate species. In silico splice site analysis predicts that this alteration will weaken the native splice acceptor site and may result in the creation or strengthening of a novel splice acceptor site. Alterations that disrupt the canonical splice site are expected to cause aberrant splicing, resulting in an abnormal protein or a transcript that is subject to nonsense-mediated mRNA decay. Although biallelic loss of function of POLE has been associated with autosomal recessive POLE deficiency, haploinsufficiency of POLE has not been established as a mechanism of disease for POLE-related polymerase proofreading-associated polyposis (PPAP) and POLE-related CMMRD-like syndrome. Based on the supporting evidence, this variant is expected to be causative of POLE deficiency when present along with a second pathogenic variant on the other allele; however, its clinical significance for PPAP and POLE-related CMMRD-like syndrome is unclear.

Labcorp Genetics (formerly Invitae), Labcorp
Classification: Likely pathogenic. Last evaluated: 2025-05-03. Review status: criteria provided, single submitter. Criteria: Invitae Variant Classification Sherloc (09022015). Collection method: clinical testing. Allele origin: germline.
Comment: This variant results in the deletion of part of exon 11 (c.1021-26_1045delinsGTTCTACACC) of the POLE gene. It is expected to disrupt RNA splicing. Variants that disrupt the donor or acceptor splice site typically lead to a loss of protein function (PMID: 16199547), and loss-of-function variants in POLE are known to be pathogenic (PMID: 23230001, 25948378, 30503519). This variant is not present in population databases (gnomAD no frequency). This variant has not been reported in the literature in individuals affected with POLE-related conditions. ClinVar contains an entry for this variant (Variation ID: 420813). Studies have shown that this variant is associated with inconclusive levels of altered splicing (internal data). In summary, the currently available evidence indicates that the variant is pathogenic, but additional data are needed to prove that conclusively. Therefore, this variant has been classified as Likely Pathogenic.

GeneDx
Classification: Uncertain significance. Last evaluated: 2018-02-12. Review status: criteria provided, single submitter. Criteria: GeneDx Variant Classification (06012015). Collection method: clinical testing. Allele origin: germline. Affected: yes.
Comment: This combined deletion and insertion is denoted POLE c.1021-26_1045del51ins10 and consists of a deletion of 51 nucleotides and the addition of 10 nucleotides at the intron/exon boundary of exon 11. The normal sequence, with the bases that are deleted and duplicated in brackets, is agac[del51][insgttctacacc]AACA where the capital letters are exonic and the lower case are intronic. This variant has not, to our knowledge, been published in the literature. This variant removes the canonical splice acceptor site as well as the first 25 nucleotides of exon 11 and is predicted to cause abnormal gene splicing, leading to either an abnormal message that is subject to nonsense-mediated mRNA decay or to an abnormal protein product. However, while missense variants located within the exonuclease domain of the POLE gene have been recognized as an underlying cause of Polymerase Proofreading-Associated Polyposis (PPAP), an autosomal dominant condition associated with polyposis and an increased risk for colon cancer (Palles 2013, Spier 2015), there are no data to support that loss-of-function variants, such as this one, confer the same cancer risks. Based on current evidence, we consider this variant to be of uncertain significance with respect to cancer. A recessive disease associated with POLE has been reported in the literature. In one large consanguineous family, 14 affected relatives with a syndrome called FILS (facial dysmorphism, immunodeficiency, livedo, and short stature) were all found to be homozygous for POLE c.4444+3A>G, a splice variant which results in a small proportion (~10%) of normal POLE transcript (Pachlopnik Schmid 2012). In addition, an unrelated individual with a suspected chromosome instability syndrome was also found to be homozygous for POLE c.4444+3A>G (Thiffault 2015). We cannot assess whether the variant identified in the current patient would cause the same recessive disease. Individuals and family members of reproductive age may choose to consider assessment of potential reproductive risks.

Literature cited by the submitters: PubMed 16199547 (cited by Labcorp Genetics (formerly Invitae), Labcorp); PubMed 23230001 (cited by Labcorp Genetics (formerly Invitae), Labcorp); PubMed 25948378 (cited by Labcorp Genetics (formerly Invitae), Labcorp); PubMed 30503519 (cited by Labcorp Genetics (formerly Invitae), Labcorp).